The following is an entry in ClinVar:

ClinVar aggregate classification (germline): Uncertain significance (1 of 4 stars; one submission).

Conditions:
H syndrome. Also called: HISTIOCYTOSIS AND LYMPHADENOPATHY WITH OR WITHOUT CUTANEOUS, CARDIAC, AND/OR ENDOCRINE FEATURES, JOINT CONTRACTURES, AND/OR DEAFNESS; HYPERPIGMENTATION, CUTANEOUS, WITH HYPERTRICHOSIS, HEPATOSPLENOMEGALY, HEART ANOMALIES, AND HYPOGONADISM WITH OR WITHOUT HEARING LOSS; PIGMENTED HYPERTRICHOSIS WITH INSULIN-DEPENDENT DIABETES MELLITUS; ROSAI-DORFMAN DISEASE, FAMILIAL; SINUS HISTIOCYTOSIS AND MASSIVE LYMPHADENOPATHY; Hyperpigmentation, Cutaneous, with Hypertrichosis, Hepatosplenomegaly, Heart Anomalies, Hearing Loss, and Hypogonadism. Identifiers: Orphanet 168569, MedGen C1864445, MONDO:0011273, OMIM 602782.

Submission:

Labcorp Genetics (formerly Invitae), Labcorp
Classification: Uncertain significance for H syndrome. Last evaluated: 2022-05-18. Review status: criteria provided, single submitter. Criteria: Invitae Variant Classification Sherloc (09022015). Collection method: clinical testing. Allele origin: germline.
Comment: This sequence change replaces threonine, which is neutral and polar, with serine, which is neutral and polar, at codon 469 of the SLC29A3 protein (p.Thr469Ser). This variant is not present in population databases (gnomAD no frequency). This variant has not been reported in the literature in individuals affected with SLC29A3-related conditions. Algorithms developed to predict the effect of missense changes on protein structure and function (SIFT, PolyPhen-2, Align-GVGD) all suggest that this variant is likely to be tolerated. In summary, the available evidence is currently insufficient to determine the role of this variant in disease. Therefore, it has been classified as a Variant of Uncertain Significance.

NM_018344.6(SLC29A3):c.1406C>G (p.Thr469Ser)

Gene: SLC29A3 (solute carrier family 29 member 3; plus strand). Cytogenetic location: 10q22.1.
Variant type: single nucleotide variant.
Coding change: c.1406C>G on transcript NM_018344.6 (MANE Select); coding-DNA position 1406, C replaced by G.
Protein change: p.Thr469Ser; replaces threonine 469 with serine.
Molecular consequence: missense variant. On other transcripts: 3 prime UTR variant (1), non-coding transcript variant (2).
Genome position (GRCh38, 1-based): chr10:71,362,586, C>G. VCF-style: chr10-71362586-C-G. GRCh37 (hg19) VCF-style: chr10-73122343-C-G.
Other names: c.*635C>G (NM_001174098.2); c.1172C>G, p.Thr391Ser (NM_001363518.2); short protein forms T469S, T391S.
Identifiers: ClinVar variation 1995947 (VCV001995947.4), dbSNP rs748043094, ClinGen allele CA377117914.